The following is an entry in ClinVar:

ClinVar aggregate classification (germline): Likely benign. Review status: criteria provided, multiple submitters, no conflicts (2 of 4 stars). 3 submissions from 3 submitters: Likely benign (3). Last evaluated 2023-02-01.

Allele frequency attached by ClinVar (database versions not stated): 1000 Genomes Project 0.00220; 1000 Genomes Project 30x 0.00234; TOPMed 0.00281; gnomAD 0.00349 and 0.00352; ExAC 0.00422; gnomAD exomes 0.00428; ESP Exome Variant Server 0.00469.
gnomAD v4.1: 7,599 of 1,614,150 alleles (0.47%); highest among the groups gnomAD compares: Middle Eastern, 0.54%; 18 homozygotes.

Submissions (3):

CeGaT Center for Human Genetics Tuebingen
Classification: Likely benign. Last evaluated: 2023-02-01. Review status: criteria provided, single submitter. Criteria: CeGaT Center For Human Genetics Tuebingen Variant Classification Criteria Version 2. Collection method: clinical testing. Allele origin: germline. Affected: yes. Observed: 1 variant allele.
Comment: ROS1: BS2

Labcorp Genetics (formerly Invitae), Labcorp
Classification: Likely benign. Last evaluated: 2018-08-15. Review status: criteria provided, single submitter. Criteria: Invitae Variant Classification Sherloc (09022015). Collection method: clinical testing. Allele origin: germline.

Breakthrough Genomics
Classification: Likely benign. Review status: criteria provided, single submitter. Criteria: ACMG Guidelines, 2015. Collection method: not provided. Allele origin: germline. Inheritance: Unknown mechanism. Affected: yes.

NM_001378902.1(ROS1):c.1943C>T (p.Ser648Phe)

Gene: ROS1 (ROS proto-oncogene 1, receptor tyrosine kinase; minus strand). Cytogenetic location: 6q22.1.
Variant type: single nucleotide variant.
Coding change: c.1943C>T on transcript NM_001378902.1 (MANE Select); coding-DNA position 1943, C replaced by T.
Protein change: p.Ser648Phe; replaces serine 648 with phenylalanine.
Molecular consequence: missense variant.
Genome position (GRCh38, 1-based): chr6:117,387,836, G>A on the plus strand (C>T on the coding strand, the complement: ROS1 is on the minus strand). VCF-style: chr6-117387836-G-A. GRCh37 (hg19) VCF-style: chr6-117708999-G-A.
Other names: c.1943C>T, p.Ser648Phe (NM_001378891.1); c.1958C>T, p.Ser653Phe (NM_002944.3); short protein forms S653F, S648F.
Identifiers: ClinVar variation 712067 (VCV000712067.28), dbSNP rs34203286, ClinGen allele CA3975424.